The following is an entry in ClinVar:

NM_004168.4(SDHA):c.63G>T (p.Ala21=)

Gene: SDHA (succinate dehydrogenase complex flavoprotein subunit A; plus strand). Cytogenetic location: 5p15.33.
Variant type: single nucleotide variant.
Coding change: c.63G>T on transcript NM_004168.4 (MANE Select); coding-DNA position 63, G replaced by T.
Protein change: p.Ala21=; no amino-acid change (alanine 21 retained).
Molecular consequence: synonymous variant.
Genome position (GRCh38, 1-based): chr5:218,418, G>T. VCF-style: chr5-218418-G-T. GRCh37 (hg19) VCF-style: chr5-218533-G-T.
Other names: c.63G>T, p.Ala21= (NM_001294332.2, NM_001330758.2).
Identifiers: ClinVar variation 826381 (VCV000826381.12), dbSNP rs587781942, ClinGen allele CA442689577.

ClinVar aggregate classification (germline): Conflicting classifications of pathogenicity. Review status: criteria provided, conflicting classifications (1 of 4 stars). 2 submissions from 2 submitters: Uncertain significance (1); Likely benign (1). Last evaluated 2026-01-11.

Conditions:
Pheochromocytoma/paraganglioma syndrome 5. Also called: Paragangliomas 5; SDHA-Related Hereditary Paraganglioma-Pheochromocytoma Syndrome. Identifiers: Orphanet 29072, MedGen C3279992, MONDO:0013602, OMIM 614165.
Mitochondrial complex II deficiency, nuclear type 1. Also called: SUCCINATE CoQ REDUCTASE DEFICIENCY. Identifiers: Orphanet 3208, MedGen C5700310, MONDO:0100294, OMIM 252011.
Hereditary cancer-predisposing syndrome. Also called: Tumor predisposition; Hereditary neoplastic syndrome; Neoplastic Syndromes, Hereditary; Hereditary Cancer Syndrome. Identifiers: Orphanet 140162, MedGen C0027672, MeSH D009386, MONDO:0015356.

gnomAD v4.1: 14 of 1,432,964 alleles (0.00098%); highest among the groups gnomAD compares: Admixed American, 0.0029%; no homozygotes.

Submissions (2):

Labcorp Genetics (formerly Invitae), Labcorp
Classification: Likely benign for Pheochromocytoma/paraganglioma syndrome 5; Mitochondrial complex II deficiency, nuclear type 1. Last evaluated: 2026-01-11. Review status: criteria provided, single submitter. Criteria: Invitae Variant Classification Sherloc (09022015). Collection method: clinical testing. Allele origin: germline.

Ambry Genetics
Classification: Uncertain significance for Hereditary cancer-predisposing syndrome. Last evaluated: 2024-09-14. Review status: criteria provided, single submitter. Criteria: Ambry Variant Classification Scheme 2023. Collection method: clinical testing. Allele origin: germline.
Comment: The c.63G>T variant (also known as p.A21A), located in coding exon 1 of the SDHA gene, results from a G to T substitution at nucleotide position 63. This nucleotide substitution does not change the alanine at codon 21. However, this change occurs in the last base pair of coding exon 1, which makes it likely to have some effect on normal mRNA splicing. This nucleotide position is well conserved in available vertebrate species. In silico splice site analysis for this alteration is inconclusive; and direct evidence is insufficient at this time (Ambry internal data). Based on the available evidence, the clinical significance of this variant remains unclear.